The following is an entry in ClinVar:

NM_001387567.1(BTBD6):c.187A>G (p.Ser63Gly)

Genes: BRF1 (BRF1 general transcription factor IIIB subunit; minus strand), BTBD6 (BTB domain containing 6; plus strand). Cytogenetic location: 14q32.33.
Variant type: single nucleotide variant.
Coding change: c.187A>G on transcript NM_001387567.1 (MANE Select); coding-DNA position 187, A replaced by G.
Protein change: p.Ser63Gly; replaces serine 63 with glycine.
Molecular consequence: missense variant. On other transcripts: intron variant (5).
Genome position (GRCh38, 1-based): chr14:105,248,898, A>G. VCF-style: chr14-105248898-A-G. GRCh37 (hg19) VCF-style: chr14-105715235-A-G.
Other names: c.28A>G, p.Ser10Gly (NM_033271.3); c.199+3609T>C (NM_001242787.2, NM_001242786.2); c.463+3609T>C (NM_001242788.2); c.544+3609T>C (NM_001519.4); c.-21+251T>C (NM_001242789.2); short protein forms S63G, S10G.
Identifiers: ClinVar variation 2342540 (VCV002342540.4), dbSNP rs953623186, ClinGen allele CA266513321.
Genomic context (GRCh38, chr14:105,248,898, plus strand): 5'-GCCGAGGCTGCCCCCGCCGCCCCGCCCGCGAAGATGGCGGCGGAACTCTACGCTCCCGCC[A>G]GCGCCGCGGCCGCGGACCTAGCCAACAGCAACGCCGGCGCCGCCGTGGGCAGGAAGGCCG-3'
Protein context (NP_001374496.1, residues 53-73): KMAAELYAPA[Ser63Gly]AAAADLANSN

ClinVar aggregate classification (germline): Conflicting classifications of pathogenicity. Review status: criteria provided, conflicting classifications (1 of 4 stars). 2 submissions from 2 submitters: Uncertain significance (1); Benign (1). Last evaluated 2026-04-01.

Allele frequency attached by ClinVar (database versions not stated): gnomAD exomes 0.00014; 1000 Genomes Project 30x 0.00109; gnomAD 0.00332.
gnomAD v4.1: 596 of 984,800 alleles (0.061%); highest among the groups gnomAD compares: African/African-American, 1%; 10 homozygotes.

Submissions (2):

CeGaT Center for Human Genetics Tuebingen
Classification: Benign. Last evaluated: 2026-04-01. Review status: criteria provided, single submitter. Criteria: CeGaT Center For Human Genetics Tuebingen Variant Classification Criteria Version 2. Collection method: clinical testing. Allele origin: germline. Affected: yes. Observed: 1 variant allele.
Comment: BTBD6: BS1, BS2

Ambry Genetics
Classification: Uncertain significance. Last evaluated: 2021-09-27. Review status: criteria provided, single submitter. Criteria: Ambry Variant Classification Scheme 2023. Collection method: clinical testing. Allele origin: germline.